The following is an entry in ClinVar:

NM_013275.6(ANKRD11):c.4160A>G (p.Lys1387Arg)

Gene: ANKRD11 (ankyrin repeat domain 11; minus strand). Cytogenetic location: 16q24.3.
Variant type: single nucleotide variant.
Coding change: c.4160A>G on transcript NM_013275.6 (MANE Select); coding-DNA position 4160, A replaced by G.
Protein change: p.Lys1387Arg; replaces lysine 1387 with arginine.
Molecular consequence: missense variant.
Genome position (GRCh38, 1-based): chr16:89,282,382, T>C on the plus strand (A>G on the coding strand, the complement: ANKRD11 is on the minus strand). VCF-style: chr16-89282382-T-C. GRCh37 (hg19) VCF-style: chr16-89348790-T-C.
Other names: c.4160A>G, p.Lys1387Arg (NM_001256182.2, NM_001256183.2); short protein forms K1387R.
Identifiers: ClinVar variation 2585398 (VCV002585398.1), dbSNP rs2151751359, ClinGen allele CA397158176.

ClinVar aggregate classification (germline): Uncertain significance (1 of 4 stars; one submission).

Conditions:
KBG syndrome (KBGS). Also called: ANKRD11-Related KBG Syndrome. Identifiers: Orphanet 2332, MedGen C0220687, MONDO:0007846, OMIM 148050.

Submission:

Neuberg Centre For Genomic Medicine, NCGM
Classification: Uncertain significance for KBG syndrome. Review status: criteria provided, single submitter. Criteria: ACMG Guidelines, 2015. Collection method: clinical testing. Allele origin: germline. Inheritance: Autosomal dominant inheritance. Affected: yes.
Comment: The missense variant in c.4160A>G (p.Lys1387Arg) in ANKRD11 gene has not been reported previously as a pathogenic variant nor as a benign variant, to our knowledge. The p.Lys1387Arg variant is novel (not in any individuals) in gnomAD Exomes and 1000 Genomes. The amino acid Lys at position 1387 is changed to a Arg changing protein sequence and it might alter its composition and physico-chemical properties. In silico tools predict the variant to be tolerated. The residue is conserved across species. The amino acid change p.Lys1387Arg in ANKRD11 is predicted as conserved by GERP++ and PhyloP across 100 vertebrates. For these reasons, this variant has been classified as Uncertain Significance.